The following is an entry in ClinVar:

NM_020706.2(SCAF4):c.2356C>A (p.Pro786Thr)

Gene: SCAF4 (SR-related CTD associated factor 4; minus strand). Cytogenetic location: 21q22.11.
Variant type: single nucleotide variant.
Coding change: c.2356C>A on transcript NM_020706.2 (MANE Select); coding-DNA position 2356, C replaced by A.
Protein change: p.Pro786Thr; replaces proline 786 with threonine.
Molecular consequence: missense variant. On other transcripts: intron variant (1).
Genome position (GRCh38, 1-based): chr21:31,685,181, G>T on the plus strand (C>A on the coding strand, the complement: SCAF4 is on the minus strand). VCF-style: chr21-31685181-G-T. GRCh37 (hg19) VCF-style: chr21-33057494-G-T.
Other names: c.2311C>A, p.Pro771Thr (NM_001145444.1); c.2297-7C>A (NM_001145445.1); short protein forms P771T, P786T.
Identifiers: ClinVar variation 3908021 (VCV003908021.1).

ClinVar aggregate classification (germline): Uncertain significance (1 of 4 stars; one submission).

Submission:

GeneDx
Classification: Uncertain significance. Last evaluated: 2024-12-26. Review status: criteria provided, single submitter. Criteria: GeneDx Variant Classification Process June 2021. Collection method: clinical testing. Allele origin: germline. Affected: yes.
Comment: Not observed at significant frequency in large population cohorts (gnomAD); In silico analysis indicates that this missense variant does not alter protein structure/function; Has not been previously published as pathogenic or benign to our knowledge